The following is an entry in ClinVar:

ClinVar aggregate classification (germline): Likely benign (1 of 4 stars; one submission).

Allele frequency attached by ClinVar (database versions not stated): 1000 Genomes Project 0.02656; 1000 Genomes Project 30x 0.02826; TOPMed 0.03279; gnomAD 0.03344 and 0.03395.
gnomAD v4.1: 22,892 of 647,410 alleles (3.5%); highest among the groups gnomAD compares: Middle Eastern, 6.1%; 470 homozygotes.

Submission:

GeneDx
Classification: Likely benign. Last evaluated: 2018-06-19. Review status: criteria provided, single submitter. Criteria: GeneDx Variant Classification (06012015). Collection method: clinical testing. Allele origin: germline. Affected: yes.
Comment: This variant is considered likely benign or benign based on one or more of the following criteria: it is a conservative change, it occurs at a poorly conserved position in the protein, it is predicted to be benign by multiple in silico algorithms, and/or has population frequency not consistent with disease.

NM_182961.4(SYNE1):c.26094+151C>A

Gene: SYNE1 (spectrin repeat containing nuclear envelope protein 1; minus strand). Cytogenetic location: 6q25.2.
Variant type: single nucleotide variant.
Coding change: c.26094+151C>A on transcript NM_182961.4 (MANE Select); 151 bases into the intron after coding-DNA position 26094, C replaced by A.
Molecular consequence: intron variant.
Genome position (GRCh38, 1-based): chr6:152,131,971, G>T on the plus strand (C>A on the coding strand, the complement: SYNE1 is on the minus strand). VCF-style: chr6-152131971-G-T. GRCh37 (hg19) VCF-style: chr6-152453106-G-T.
Other names: c.25950+151C>A (NM_033071.5); c.2700+151C>A (NM_001347701.2); c.2628+151C>A (NM_001347702.2).
Identifiers: ClinVar variation 672848 (VCV000672848.1), dbSNP rs73625140, ClinGen allele CA12396350.
Genomic context (GRCh38, chr6:152,131,971, plus strand): 5'-TCCTGATTCTTTTGAAAACCAGAATCGCTCTTTTCCATTCCTGAGCGCGTGCTGGGAGGG[G>T]ATGTGGCAGGGCTGAGGAAGCGCGCTACCCTGTGTGACAGCCCTCCTCTGGAGGGGACGC-3'